The following is an entry in ClinVar:

NM_014915.3(ANKRD26):c.4676A>G (p.Tyr1559Cys)

Gene: ANKRD26 (ankyrin repeat domain 26; minus strand). Cytogenetic location: 10p12.1.
Variant type: single nucleotide variant.
Coding change: c.4676A>G on transcript NM_014915.3 (MANE Select); coding-DNA position 4676, A replaced by G.
Protein change: p.Tyr1559Cys; replaces tyrosine 1559 with cysteine.
Molecular consequence: missense variant.
Genome position (GRCh38, 1-based): chr10:27,014,542, T>C on the plus strand (A>G on the coding strand, the complement: ANKRD26 is on the minus strand). VCF-style: chr10-27014542-T-C. GRCh37 (hg19) VCF-style: chr10-27303471-T-C.
Other names: c.4673A>G, p.Tyr1558Cys (NM_001256053.2); short protein forms Y1559C, Y1558C.
Identifiers: ClinVar variation 299728 (VCV000299728.14), dbSNP rs557821284, ClinGen allele CA5447746.

ClinVar aggregate classification (germline): Uncertain significance. Review status: criteria provided, multiple submitters, no conflicts (2 of 4 stars). 5 submissions from 5 submitters: Uncertain significance (4). 1 of the submissions does not count toward it. Last evaluated 2025-08-23.

Conditions:
Thrombocytopenia 2 (THC2). Also called: ANKRD26-Related Thrombocytopenia. Identifiers: Orphanet 268322, MedGen C1861185, MONDO:0008555, OMIM 188000.
ANKRD26-related disorder. Also called: ANKRD26-related condition.
Inborn genetic diseases. Identifiers: MedGen C0950123, MeSH D030342.

Allele frequency attached by ClinVar (database versions not stated): ExAC 0.00002; TOPMed 0.00002; gnomAD 0.00003; gnomAD exomes 0.00003 and 0.00004; 1000 Genomes Project 30x 0.00016; 1000 Genomes Project 0.00020.
gnomAD v4.1: 53 of 1,599,170 alleles (0.0033%); highest among the groups gnomAD compares: Non-Finnish European, 0.0041%; no homozygotes.

Submissions (5):

Ambry Genetics
Classification: Uncertain significance for Inborn genetic diseases. Last evaluated: 2025-08-23. Review status: criteria provided, single submitter. Criteria: Ambry Variant Classification Scheme 2023. Collection method: clinical testing. Allele origin: germline.

St. Jude Molecular Pathology, St. Jude Children's Research Hospital
Classification: Uncertain significance for Thrombocytopenia 2. Last evaluated: 2025-06-17. Review status: criteria provided, single submitter. Criteria: St. Jude Assertion Criteria 2020. Collection method: clinical testing. Allele origin: germline.
Comment: The ANKRD26 c.4676A>G p.(Tyr1559Cys) missense change has a maximum subpopulation frequency of 0.007% in gnomAD v2.1.1. This variant is not located in the 5' UTR. The in silico tool REVEL predicts a benign effect on protein function, but to our knowledge this prediction has not been confirmed by functional studies. To our knowledge, this variant has not been reported in individuals with ANKRD26-related thrombocytopenia. In summary, the evidence currently available is insufficient to determine the clinical significance of this variant. It has therefore been classified as of uncertain significance.

Labcorp Genetics (formerly Invitae), Labcorp
Classification: Uncertain significance. Last evaluated: 2025-01-28. Review status: criteria provided, single submitter. Criteria: Invitae Variant Classification Sherloc (09022015). Collection method: clinical testing. Allele origin: germline.
Comment: This sequence change replaces tyrosine, which is neutral and polar, with cysteine, which is neutral and slightly polar, at codon 1559 of the ANKRD26 protein (p.Tyr1559Cys). This variant is present in population databases (rs557821284, gnomAD 0.007%). This variant has not been reported in the literature in individuals affected with ANKRD26-related conditions. ClinVar contains an entry for this variant (Variation ID: 299728). An algorithm developed to predict the effect of missense changes on protein structure and function (PolyPhen-2) suggests that this variant is likely to be disruptive. In summary, the available evidence is currently insufficient to determine the role of this variant in disease. Therefore, it has been classified as a Variant of Uncertain Significance.

GeneDx
Classification: Uncertain significance. Last evaluated: 2024-02-05. Review status: criteria provided, single submitter. Criteria: GeneDx Variant Classification Process June 2021. Collection method: clinical testing. Allele origin: germline. Affected: yes.
Comment: In silico analysis supports that this missense variant has a deleterious effect on protein structure/function; Has not been previously published as pathogenic or benign to our knowledge

PreventionGenetics, part of Exact Sciences
Classification: Uncertain significance for ANKRD26-related condition. Last evaluated: 2024-09-13. Review status: no assertion criteria provided. Collection method: clinical testing. Allele origin: germline. Not counted in ClinVar's aggregate classification.
Comment: The ANKRD26 c.4676A>G variant is predicted to result in the amino acid substitution p.Tyr1559Cys. To our knowledge, this variant has not been reported in the literature. This variant is reported in 0.0071% of alleles in individuals of European (Non-Finnish) descent in gnomAD. At this time, the clinical significance of this variant is uncertain due to the absence of conclusive functional and genetic evidence.